The following is an entry in ClinVar:

NM_001303256.3(MORC2):c.2311A>T (p.Lys771Ter)

Gene: MORC2 (MORC family CW-type zinc finger 2; minus strand). Cytogenetic location: 22q12.2.
Variant type: single nucleotide variant.
Coding change: c.2311A>T on transcript NM_001303256.3 (MANE Select); coding-DNA position 2311, A replaced by T.
Protein change: p.Lys771Ter; replaces lysine 771 with a stop codon.
Molecular consequence: nonsense.
Genome position (GRCh38, 1-based): chr22:30,934,074, T>A on the plus strand (A>T on the coding strand, the complement: MORC2 is on the minus strand). VCF-style: chr22-30934074-T-A. GRCh37 (hg19) VCF-style: chr22-31330061-T-A.
Other names: c.2311A>T, p.Lys771Ter (NM_001303257.2); c.2125A>T, p.Lys709Ter (NM_014941.3); short protein forms K771*, K709*.
Identifiers: ClinVar variation 504205 (VCV000504205.2), dbSNP rs1555937236, ClinGen allele CA411234016.

ClinVar aggregate classification (germline): Uncertain significance (1 of 4 stars; one submission).

Allele frequency attached by ClinVar (database versions not stated): TOPMed below 0.00001.

Submission:

GeneDx
Classification: Uncertain significance. Last evaluated: 2018-02-05. Review status: criteria provided, single submitter. Criteria: GeneDx Variant Classification (06012015). Collection method: clinical testing. Allele origin: germline. Affected: yes.
Comment: The K771X variant in the MORC2 gene has not been reported previously as a pathogenic variant nor as a benign variant, to our knowledge. This variant is predicted to cause loss of normal protein function either through protein truncation or nonsense-mediated mRNA decay. The K771X variant is not observed in large population cohorts (Lek et al., 2016). We interpret K771X as a variant of uncertain significance.